The following is an entry in ClinVar:

NM_001347721.2(DYRK1A):c.665G>A (p.Arg222Gln)

Gene: DYRK1A (dual specificity tyrosine phosphorylation regulated kinase 1A; plus strand). Cytogenetic location: 21q22.13.
Variant type: single nucleotide variant.
Coding change: c.665G>A on transcript NM_001347721.2 (MANE Select); coding-DNA position 665, G replaced by A.
Protein change: p.Arg222Gln; replaces arginine 222 with glutamine.
Molecular consequence: missense variant.
Genome position (GRCh38, 1-based): chr21:37,490,202, G>A. VCF-style: chr21-37490202-G-A. GRCh37 (hg19) VCF-style: chr21-38862504-G-A.
Other names: c.665G>A, p.Arg222Gln (NM_001347722.2, NM_130436.2); c.578G>A, p.Arg193Gln (NM_001347723.2); c.692G>A, p.Arg231Gln (NM_001396.5, NM_101395.2, NM_130438.2); short protein forms R193Q, R222Q, R231Q.
Identifiers: ClinVar variation 2652658 (VCV002652658.24), dbSNP rs1230046216, ClinGen allele CA409947208.
Genomic context (GRCh38, chr21:37,490,202, plus strand): 5'-TATAATTTAAAATGAAACTGTTTTCTCTTTCAGTGCATTTGAAACGCCACTTTATGTTTC[G>A]AAACCATCTCTGTTTAGTTTTTGAAATGCTGTCCTACAACCTCTATGACTTGCTGAGAAA-3'
Protein context (NP_001334650.1, residues 212-232): IVHLKRHFMF[Arg222Gln]NHLCLVFEML

ClinVar aggregate classification (germline): Uncertain significance (1 of 4 stars; one submission).

Allele frequency attached by ClinVar (database versions not stated): gnomAD 0.00001; gnomAD exomes 0.00001.
gnomAD v4.1: 4 of 1,612,726 alleles (0.00025%); highest among the groups gnomAD compares: Non-Finnish European, 0.00034%; no homozygotes.

Submission:

CeGaT Center for Human Genetics Tuebingen
Classification: Uncertain significance. Last evaluated: 2022-05-01. Review status: criteria provided, single submitter. Criteria: CeGaT Center For Human Genetics Tuebingen Variant Classification Criteria Version 2. Collection method: clinical testing. Allele origin: germline. Affected: yes. Observed: 1 variant allele.
Comment: DYRK1A: PM2, PP2